The following is an entry in ClinVar:

NM_006384.4(CIB1):c.388C>T (p.Arg130Trp)

Gene: CIB1 (calcium and integrin binding 1; minus strand). Cytogenetic location: 15q26.1.
Variant type: single nucleotide variant.
Coding change: c.388C>T on transcript NM_006384.4 (MANE Select); coding-DNA position 388, C replaced by T.
Protein change: p.Arg130Trp; replaces arginine 130 with tryptophan.
Molecular consequence: missense variant. On other transcripts: non-coding transcript variant (2).
Genome position (GRCh38, 1-based): chr15:90,231,172, G>A on the plus strand (C>T on the coding strand, the complement: CIB1 is on the minus strand). VCF-style: chr15-90231172-G-A. GRCh37 (hg19) VCF-style: chr15-90774404-G-A.
Other names: c.508C>T, p.Arg170Trp (NM_001277764.2); short protein forms R130W, R170W.
Identifiers: ClinVar variation 1427465 (VCV001427465.6), dbSNP rs775021192, ClinGen allele CA7734196.
Genomic context (GRCh38, chr15:90,231,172, plus strand): 5'-TCATCTCAGACGCACTAAGCCGTGTGTCCTCGCCCTCTCCCGTGAGGCAGTTCACCAGCC[G>A]GCTCAGGTCTTCTCTGTTCAAGGTTCCGTCATCATCAAAGTCTAGAGAGCAGACACAGGA-3'
Protein context (NP_006375.2, residues 120-140): DGTLNREDLS[Arg130Trp]LVNCLTGEGE

ClinVar aggregate classification (germline): Uncertain significance (1 of 4 stars; one submission).

Allele frequency attached by ClinVar (database versions not stated): ExAC 0.00001; gnomAD 0.00002; TOPMed 0.00002; gnomAD exomes 0.00003.

Submission:

Labcorp Genetics (formerly Invitae), Labcorp
Classification: Uncertain significance. Last evaluated: 2022-08-19. Review status: criteria provided, single submitter. Criteria: Invitae Variant Classification Sherloc (09022015). Collection method: clinical testing. Allele origin: germline.
Comment: This sequence change replaces arginine, which is basic and polar, with tryptophan, which is neutral and slightly polar, at codon 170 of the CIB1 protein (p.Arg170Trp). This variant is present in population databases (rs775021192, gnomAD 0.009%). This variant has not been reported in the literature in individuals affected with CIB1-related conditions. ClinVar contains an entry for this variant (Variation ID: 1427465). Algorithms developed to predict the effect of missense changes on protein structure and function are either unavailable or do not agree on the potential impact of this missense change (SIFT: "Deleterious"; PolyPhen-2: "Not Available"; Align-GVGD: "Class C0"). In summary, the available evidence is currently insufficient to determine the role of this variant in disease. Therefore, it has been classified as a Variant of Uncertain Significance.